The following is an entry in ClinVar:

ClinVar aggregate classification (germline): Pathogenic (1 of 4 stars; one submission).

Conditions:
Werner syndrome (WRN). Identifiers: Orphanet 902, MedGen C0043119, MONDO:0010196, OMIM 277700.

Submission:

Labcorp Genetics (formerly Invitae), Labcorp
Classification: Pathogenic for Werner syndrome. Last evaluated: 2020-06-30. Review status: criteria provided, single submitter. Criteria: Invitae Variant Classification Sherloc (09022015). Collection method: clinical testing. Allele origin: germline.
Comment: For these reasons, this variant has been classified as Pathogenic. Loss-of-function variants in WRN are known to be pathogenic (PMID: 16673358). This variant has not been reported in the literature in individuals with WRN-related conditions. This variant is present in population databases (rs749616545, ExAC 0.002%). This sequence change creates a premature translational stop signal (p.His558Glnfs*3) in the WRN gene. It is expected to result in an absent or disrupted protein product.

Literature cited by the submitters: PubMed 16673358.

NM_000553.6(WRN):c.1674_1677del (p.His558fs)

Gene: WRN (WRN RecQ like helicase; plus strand). Cytogenetic location: 8p12.
Variant type: Microsatellite.
Coding change: c.1674_1677del on transcript NM_000553.6 (MANE Select); coding-DNA positions 1674 to 1677, 4 bases deleted (TTCA; older notation c.1674_1677delTTCA).
Protein change: p.His558fs; shifts the reading frame from histidine 558.
Molecular consequence: frameshift variant.
Genome position (GRCh38, 1-based): chr8:31,090,486-31,090,489, TTCA deleted; deleting any 4 consecutive bases within chr8:31,090,481-31,090,489 gives the same sequence; the c. name uses the placement nearest the transcript's 3' end. VCF-style (leftmost placement, unchanged base first): chr8-31090480-GATTC-G. GRCh37 (hg19) VCF-style: chr8-30947996-GATTC-G.
Other names: short protein forms H558fs.
Identifiers: ClinVar variation 1071984 (VCV001071984.5), dbSNP rs749616545, ClinGen allele CA4704446.